The following is an entry in ClinVar:

NM_014159.7(SETD2):c.7534-1G>T

Gene: SETD2 (SET domain containing 2, histone lysine methyltransferase; minus strand). Cytogenetic location: 3p21.31.
Variant type: single nucleotide variant.
Coding change: c.7534-1G>T on transcript NM_014159.7 (MANE Select); the canonical splice acceptor site of the intron before coding-DNA position 7534, G replaced by T.
Molecular consequence: splice acceptor variant.
Genome position (GRCh38, 1-based): chr3:47,017,255, C>A on the plus strand (G>T on the coding strand, the complement: SETD2 is on the minus strand). VCF-style: chr3-47017255-C-A. GRCh37 (hg19) VCF-style: chr3-47058745-C-A.
Other names: c.7402-1G>T (NM_001349370.3).
Identifiers: ClinVar variation 422254 (VCV000422254.2), dbSNP rs1064795661, ClinGen allele CA16617974.
Genomic context (GRCh38, chr3:47,017,255, plus strand): 5'-CTCCAGGTCCTCAGGATTCTTACAGTACTTCAGCTCCTTATTCATAACACCGTGAGTCAG[C>A]TGTCCAGGGCACAGGAAGAGAGACCACAGCCACCAATCAGAGCAGAAATTATATGAGGGG-3'

ClinVar aggregate classification (germline): Likely pathogenic (1 of 4 stars; one submission).

Submission:

GeneDx
Classification: Likely pathogenic. Last evaluated: 2016-10-05. Review status: criteria provided, single submitter. Criteria: GeneDx Variant Classification (06012015). Collection method: clinical testing. Allele origin: germline. Affected: yes.
Comment: The c.7534-1 G>T splice site variant has not been published as a pathogenic variant, nor has it been reported as a benign variant to our knowledge. It was not observed in approximately 6,500 individuals of European and African American ancestry in the NHLBI Exome Sequencing Project, indicating it is not a common benign variant in these populations. The c.7534-1 G>T variant destroys the canonical splice acceptor site in intron 20. It is predicted to cause abnormal gene splicing, either leading to an abnormal message that is subject to nonsense-mediated mRNA decay, or to an abnormal protein product if the message is used for protein translation. Therefore, this variant is likely pathogenic.